The following is an entry in ClinVar:

NM_003664.5(AP3B1):c.204+81C>T

Gene: AP3B1 (adaptor related protein complex 3 subunit beta 1; minus strand). Cytogenetic location: 5q14.1.
Variant type: single nucleotide variant.
Coding change: c.204+81C>T on transcript NM_003664.5 (MANE Select); 81 bases into the intron after coding-DNA position 204, C replaced by T.
Molecular consequence: intron variant.
Genome position (GRCh38, 1-based): chr5:78,267,439, G>A on the plus strand (C>T on the coding strand, the complement: AP3B1 is on the minus strand). VCF-style: chr5-78267439-G-A. GRCh37 (hg19) VCF-style: chr5-77563263-G-A.
Other names: c.57+81C>T (NM_001271769.2).
Identifiers: ClinVar variation 1268089 (VCV001268089.5), dbSNP rs10065892, ClinGen allele CA16231833.

ClinVar aggregate classification (germline): Benign. Review status: criteria provided, multiple submitters, no conflicts (2 of 4 stars). 3 submissions from 3 submitters: Benign (3). Last evaluated 2023-11-12.

Allele frequency attached by ClinVar (database versions not stated): gnomAD 0.27387 and 0.27154; gnomAD exomes 0.31002; 1000 Genomes Project 30x 0.24485; 1000 Genomes Project 0.24681; TOPMed 0.25784.
gnomAD v4.1: 166,383 of 554,380 alleles (30%); highest among the groups gnomAD compares: Middle Eastern, 38%; 26,394 homozygotes.

Submissions (3):

Unidad de Genómica Garrahan, Hospital de Pediatría Garrahan
Classification: Benign. Last evaluated: 2023-11-12. Review status: criteria provided, single submitter. Criteria: ACMG Guidelines, 2015. Collection method: clinical testing. Allele origin: germline. Affected: no. Observed: 20 variant alleles.
Comment: This variant is classified as Benign based on local population frequency. This variant was detected in 21% of patients studied by a panel of primary immunodeficiencies. Number of patients: 20. Only high quality variants are reported.

GeneDx
Classification: Benign. Last evaluated: 2018-11-10. Review status: criteria provided, single submitter. Criteria: GeneDx Variant Classification Process June 2021. Collection method: clinical testing. Allele origin: germline. Affected: yes.

Breakthrough Genomics
Classification: Benign. Review status: criteria provided, single submitter. Criteria: ACMG Guidelines, 2015. Collection method: not provided. Allele origin: germline. Inheritance: Autosomal recessive inheritance. Affected: yes.